The following is an entry in ClinVar:

ClinVar aggregate classification (germline): Pathogenic. Review status: criteria provided, multiple submitters, no conflicts (2 of 4 stars). 5 submissions from 5 submitters: Pathogenic (3). 2 of the submissions do not count toward it. Last evaluated 2022-03-03.

Conditions:
RS1-related disorder. Also called: RS1-related condition.
Juvenile retinoschisis (RS1). Also called: X-Linked Juvenile Retinoschisis; X-linked retinoschisis. Identifiers: Orphanet 792, MedGen C3714753, MONDO:0010725, OMIM 312700.

Submissions (6):

Labcorp Genetics (formerly Invitae), Labcorp
Classification: Pathogenic. Last evaluated: 2022-03-03. Review status: criteria provided, single submitter. Criteria: Invitae Variant Classification Sherloc (09022015). Collection method: clinical testing. Allele origin: germline.
Comment: Disruption of this splice site has been observed in individuals with retinoschisis (PMID: 12920343, 23288992, 27032803, 30652005). For these reasons, this variant has been classified as Pathogenic. Variants that disrupt the consensus splice site are a relatively common cause of aberrant splicing (PMID: 17576681, 9536098). Algorithms developed to predict the effect of sequence changes on RNA splicing suggest that this variant may disrupt the consensus splice site. ClinVar contains an entry for this variant (Variation ID: 98979). This variant is not present in population databases (gnomAD no frequency). This sequence change affects a donor splice site in intron 5 of the RS1 gene. While this variant is not anticipated to result in nonsense mediated decay, it likely alters RNA splicing and results in a disrupted protein product.

Blueprint Genetics
Classification: Pathogenic for RS1-related disorders. Last evaluated: 2021-12-22. Review status: criteria provided, single submitter. Criteria: ACMG Guidelines, 2015. Collection method: clinical testing. Allele origin: germline. Affected: yes. Observed: 5 variant alleles.

GeneDx
Classification: Pathogenic. Last evaluated: 2017-02-16. Review status: criteria provided, single submitter. Criteria: GeneDx Variant Classification (06012015). Collection method: clinical testing. Allele origin: germline. Affected: yes.
Comment: The c.522+1 G>A splice site variant in the RS1 gene has been previously reported in association with X-linked juvenile retinoschisis (Sato et al., 2003). Thisvariant destroys the canonical splice donor site in intron 5, and is expected to cause abnormal gene splicing. Therefore, we interpret c.522+1 G>A as a pathogenic variant.

Counsyl
Classification: Likely pathogenic for Juvenile retinoschisis. Last evaluated: 2016-08-04. Review status: no assertion criteria provided. Collection method: clinical testing. Allele origin: unknown. Not counted in ClinVar's aggregate classification.

Dr. Peter K. Rogan Lab, Western University
No classification provided (evidence only). Condition: Thyroid cancer, nonmedullary, 1. Review status: no classification provided. Collection method: in vitro. Allele origin: not applicable. Functional consequence: retained intron. Not counted in ClinVar's aggregate classification.

Retina International
No classification provided. Review status: no classification provided. Collection method: not provided. Allele origin: unknown. Not counted in ClinVar's aggregate classification.

Literature cited by the submitters: PubMed 12920343 (cited by Labcorp Genetics (formerly Invitae), Labcorp and Counsyl); PubMed 23288992 (cited by Labcorp Genetics (formerly Invitae), Labcorp); PubMed 27032803 (cited by Labcorp Genetics (formerly Invitae), Labcorp); PubMed 30652005 (cited by Labcorp Genetics (formerly Invitae), Labcorp); PubMed 17576681 (cited by Labcorp Genetics (formerly Invitae), Labcorp); PubMed 9536098 (cited by Labcorp Genetics (formerly Invitae), Labcorp); PubMed 25525159 (cited by Counsyl).

NM_000330.4(RS1):c.522+1G>A

Genes: CDKL5 (cyclin dependent kinase like 5; plus strand), RS1 (retinoschisin 1; minus strand). Cytogenetic location: Xp22.13.
Variant type: single nucleotide variant.
Coding change: c.522+1G>A on transcript NM_000330.4 (MANE Select); the canonical splice donor site of the intron after coding-DNA position 522, G replaced by A.
Molecular consequence: splice donor variant. On other transcripts: intron variant (2).
Genome position (GRCh38, 1-based): chrX:18,644,429, C>T on the plus strand (G>A on the coding strand, the complement: RS1 is on the minus strand). VCF-style: chrX-18644429-C-T. GRCh37 (hg19) VCF-style: chrX-18662549-C-T.
Other names: c.2714-1578C>T (NM_003159.3, NM_001037343.2).
Identifiers: ClinVar variation 98979 (VCV000098979.17), dbSNP rs281865348, ClinGen allele CA226768.
Genomic context (GRCh38, chrX:18,644,429, plus strand): 5'-GACAGGAGGGGAAGTCCCAGAGGGTGCGAGCTGAAGTTGGTTTGGGATAAGCCCAACTTA[C>T]CCGGTTGTTTCCAGTCTGGTCCTTGTAGTAAATCCAGTTCAGGCGCTCATCGGTCCTGTA-3'